The following is an entry in ClinVar:

NM_002693.3(POLG):c.1474C>G (p.Leu492Val)

Gene: POLG (DNA polymerase gamma, catalytic subunit; minus strand). Cytogenetic location: 15q26.1.
Variant type: single nucleotide variant.
Coding change: c.1474C>G on transcript NM_002693.3 (MANE Select); coding-DNA position 1474, C replaced by G.
Protein change: p.Leu492Val; replaces leucine 492 with valine.
Molecular consequence: missense variant.
Genome position (GRCh38, 1-based): chr15:89,327,023, G>C on the plus strand (C>G on the coding strand, the complement: POLG is on the minus strand). VCF-style: chr15-89327023-G-C. GRCh37 (hg19) VCF-style: chr15-89870254-G-C.
Other names: c.1474C>G, p.Leu492Val (NM_001126131.2); short protein forms L492V.
Identifiers: ClinVar variation 4802418 (VCV004802418.1).

ClinVar aggregate classification (germline): Uncertain significance (1 of 4 stars; one submission).

Conditions:
Progressive sclerosing poliodystrophy (MTDPS4A). Also called: ALPERS PROGRESSIVE INFANTILE POLIODYSTROPHY; NEURONAL DEGENERATION OF CHILDHOOD WITH LIVER DISEASE, PROGRESSIVE; Mitochondrial DNA Depletion Syndrome 4A; Alpers Syndrome; ALPERS DIFFUSE DEGENERATION OF CEREBRAL GRAY MATTER WITH HEPATIC CIRRHOSIS; Alpers-Huttenlocher Syndrome. Identifiers: Orphanet 726, MedGen C0205710, MONDO:0008758, OMIM 203700.

Submission:

Labcorp Genetics (formerly Invitae), Labcorp
Classification: Uncertain significance for Progressive sclerosing poliodystrophy. Last evaluated: 2025-06-16. Review status: criteria provided, single submitter. Criteria: Invitae Variant Classification Sherloc (09022015). Collection method: clinical testing. Allele origin: germline.
Comment: This sequence change replaces leucine, which is neutral and non-polar, with valine, which is neutral and non-polar, at codon 492 of the POLG protein (p.Leu492Val). This variant is not present in population databases (gnomAD no frequency). This variant has not been reported in the literature in individuals affected with POLG-related conditions. Invitae Evidence Modeling of protein sequence and biophysical properties (such as structural, functional, and spatial information, amino acid conservation, physicochemical variation, residue mobility, and thermodynamic stability) indicates that this missense variant is not expected to disrupt POLG protein function with a negative predictive value of 95%. In summary, the available evidence is currently insufficient to determine the role of this variant in disease. Therefore, it has been classified as a Variant of Uncertain Significance.